The following is an entry in ClinVar:

NM_012275.3(IL36RN):c.104A>G (p.Lys35Arg)

Gene: IL36RN (interleukin 36 receptor antagonist; plus strand). Cytogenetic location: 2q14.1.
Variant type: single nucleotide variant.
Coding change: c.104A>G on transcript NM_012275.3 (MANE Select); coding-DNA position 104, A replaced by G.
Protein change: p.Lys35Arg; replaces lysine 35 with arginine.
Molecular consequence: missense variant.
Genome position (GRCh38, 1-based): chr2:113,060,926, A>G. VCF-style: chr2-113060926-A-G. GRCh37 (hg19) VCF-style: chr2-113818503-A-G.
Other names: c.104A>G, p.Lys35Arg (NM_173170.1); short protein forms K35R.
Identifiers: ClinVar variation 160373 (VCV000160373.12), dbSNP rs187015338, ClinGen allele CA173978.
Genomic context (GRCh38, chr2:113,060,926, plus strand): 5'-CATTGAAGGTGCTTTATCTGCATAATAACCAGCTTCTAGCTGGAGGGCTGCATGCAGGGA[A>G]GGTCATTAAAGGTTGGTGATGAAACATGACCCACTTTCCTTGGTCTCTATACACTCTCAG-3'
Protein context (NP_036407.1, residues 25-45): QLLAGGLHAG[Lys35Arg]VIKGEEISVV

ClinVar aggregate classification (germline): Uncertain significance. Review status: criteria provided, multiple submitters, no conflicts (2 of 4 stars). 3 submissions from 3 submitters: Uncertain significance (2). 1 of the submissions does not count toward it. Last evaluated 2025-08-25.

Conditions:
Acrodermatitis continua suppurativa of Hallopeau (PSORS14). Also called: INTERLEUKIN 36 RECEPTOR ANTAGONIST DEFICIENCY; ACRODERMATITIS CONTINUA OF HALLOPEAU; Psoriasis 14, pustular. Identifiers: Orphanet 163931, MedGen C0392439, MONDO:0013626, OMIM 614204.
Generalized pustular psoriasis. Identifiers: Orphanet 247353, MedGen C0343055, MONDO:0100491.

Allele frequency attached by ClinVar (database versions not stated): gnomAD exomes 0.00018 and 0.00010; 1000 Genomes Project 0.00020; ESP Exome Variant Server 0.00023; ExAC 0.00029; TOPMed 0.00003; gnomAD 0.00006; 1000 Genomes Project 30x 0.00016.
gnomAD v4.1: 171 of 1,613,602 alleles (0.011%); highest among the groups gnomAD compares: Non-Finnish European, 0.01%; no homozygotes.

Submissions (3):

Labcorp Genetics (formerly Invitae), Labcorp
Classification: Uncertain significance for Generalized pustular psoriasis. Last evaluated: 2025-08-25. Review status: criteria provided, single submitter. Criteria: Invitae Variant Classification Sherloc (09022015). Collection method: clinical testing. Allele origin: germline.
Comment: This sequence change replaces lysine, which is basic and polar, with arginine, which is basic and polar, at codon 35 of the IL36RN protein (p.Lys35Arg). This variant is present in population databases (rs187015338, gnomAD 0.05%). This missense change has been observed in individual(s) with generalized pustular psoriasis (PMID: 23303454). ClinVar contains an entry for this variant (Variation ID: 160373). An algorithm developed to predict the effect of missense changes on protein structure and function (PolyPhen-2) suggests that this variant is likely to be tolerated. Experimental studies have shown that this missense change does not substantially affect IL36RN function (PMID: 27220475). Algorithms developed to predict the effect of sequence changes on RNA splicing suggest that this variant may disrupt the consensus splice site. In summary, the available evidence is currently insufficient to determine the role of this variant in disease. Therefore, it has been classified as a Variant of Uncertain Significance.

Blueprint Genetics
Classification: Uncertain significance. Last evaluated: 2024-05-10. Review status: criteria provided, single submitter. Criteria: ACMG Guidelines, 2015. Collection method: clinical testing. Allele origin: germline.

OMIM
Classification: Pathogenic for PSORIASIS 14, PUSTULAR. Last evaluated: 2013-05-01. Review status: no assertion criteria provided. Collection method: literature only. Allele origin: germline. Not counted in ClinVar's aggregate classification.

Literature cited by the submitters: PubMed 23303454 (cited by Labcorp Genetics (formerly Invitae), Labcorp and OMIM); PubMed 27220475 (cited by Labcorp Genetics (formerly Invitae), Labcorp).